The following is an entry in ClinVar:

ClinVar aggregate classification (germline): Uncertain significance. Review status: criteria provided, multiple submitters, no conflicts (2 of 4 stars). 2 submissions from 2 submitters: Uncertain significance (2). Last evaluated 2025-11-20.

Conditions:
EGFR-related lung cancer (EGFR). Identifiers: MedGen CN130014.
Hereditary cancer-predisposing syndrome. Also called: Tumor predisposition; Hereditary neoplastic syndrome; Neoplastic Syndromes, Hereditary; Hereditary Cancer Syndrome. Identifiers: Orphanet 140162, MedGen C0027672, MeSH D009386, MONDO:0015356.

Allele frequency attached by ClinVar (database versions not stated): ExAC 0.00001; gnomAD 0.00001; gnomAD exomes 0.00001.
gnomAD v4.1: 15 of 1,613,988 alleles (0.00093%); highest among the groups gnomAD compares: Admixed American, 0.0017%; no homozygotes.

Submissions (2):

Labcorp Genetics (formerly Invitae), Labcorp
Classification: Uncertain significance for EGFR-related lung cancer. Last evaluated: 2025-11-20. Review status: criteria provided, single submitter. Criteria: Invitae Variant Classification Sherloc (09022015). Collection method: clinical testing. Allele origin: germline.
Comment: This sequence change replaces serine, which is neutral and polar, with leucine, which is neutral and non-polar, at codon 177 of the EGFR protein (p.Ser177Leu). This variant is present in population databases (rs770290445, gnomAD 0.004%). This variant has not been reported in the literature in individuals affected with EGFR-related conditions. ClinVar contains an entry for this variant (Variation ID: 845138). An algorithm developed to predict the effect of missense changes on protein structure and function (PolyPhen-2) suggests that this variant is likely to be tolerated. In summary, the available evidence is currently insufficient to determine the role of this variant in disease. Therefore, it has been classified as a Variant of Uncertain Significance.

Ambry Genetics
Classification: Uncertain significance for Hereditary cancer-predisposing syndrome. Last evaluated: 2025-02-10. Review status: criteria provided, single submitter. Criteria: Ambry Variant Classification Scheme 2023. Collection method: clinical testing. Allele origin: germline.
Comment: The p.S177L variant (also known as c.530C>T), located in coding exon 4 of the EGFR gene, results from a C to T substitution at nucleotide position 530. The serine at codon 177 is replaced by leucine, an amino acid with dissimilar properties. This amino acid position is well conserved in available vertebrate species. In addition, this alteration is predicted to be tolerated by in silico analysis. Based on the available evidence, the clinical significance of this variant remains unclear.

NM_005228.5(EGFR):c.530C>T (p.Ser177Leu)

Gene: EGFR (epidermal growth factor receptor; plus strand). Cytogenetic location: 7p11.2.
Variant type: single nucleotide variant.
Coding change: c.530C>T on transcript NM_005228.5 (MANE Select); coding-DNA position 530, C replaced by T.
Protein change: p.Ser177Leu; replaces serine 177 with leucine.
Molecular consequence: missense variant. On other transcripts: intron variant (3).
Genome position (GRCh38, 1-based): chr7:55,146,711, C>T. VCF-style: chr7-55146711-C-T. GRCh37 (hg19) VCF-style: chr7-55214404-C-T.
Other names: c.530C>T, p.Ser177Leu (NM_001346898.2, NM_201282.2, NM_201283.2 and 1 more transcripts); c.371C>T, p.Ser124Leu (NM_001346900.2); c.424+3223C>T (NM_001346899.2, NM_001346897.2); c.89-9119C>T (NM_001346941.2); short protein forms S124L, S177L.
Identifiers: ClinVar variation 845138 (VCV000845138.10), dbSNP rs770290445, ClinGen allele CA4265240.